The following is an entry in ClinVar:

NM_003659.4(AGPS):c.64G>A (p.Ala22Thr)

Genes: AGPS (alkylglycerone phosphate synthase; plus strand), LOC129935172 (ATAC-STARR-seq lymphoblastoid silent region 12147; plus strand). Cytogenetic location: 2q31.2.
Variant type: single nucleotide variant.
Coding change: c.64G>A on transcript NM_003659.4 (MANE Select); coding-DNA position 64, G replaced by A.
Protein change: p.Ala22Thr; replaces alanine 22 with threonine.
Molecular consequence: missense variant.
Genome position (GRCh38, 1-based): chr2:177,392,853, G>A. VCF-style: chr2-177392853-G-A. GRCh37 (hg19) VCF-style: chr2-178257581-G-A.
Other names: short protein forms A22T.
Identifiers: ClinVar variation 893911 (VCV000893911.9), dbSNP rs759572190, ClinGen allele CA1980001.
Genomic context (GRCh38, chr2:177,392,853, plus strand): 5'-GCGGAGGCGGCGGCTGCAGCGGGTGGGACTGGCTTGGGCGCGGGCGCGAGCTACGGGTCT[G>A]CAGCGGACCGGGACCGGGACCCGGACCCGGACCGCGCCGGGCGGAGGCTGCGGGTTCTCT-3'
Protein context (NP_003650.1, residues 12-32): GLGAGASYGS[Ala22Thr]ADRDRDPDPD

ClinVar aggregate classification (germline): Conflicting classifications of pathogenicity. Review status: criteria provided, conflicting classifications (1 of 4 stars). 6 submissions from 6 submitters: Uncertain significance (4); Likely benign (2). Last evaluated 2024-12-04.

Conditions:
AGPS-related disorder. Also called: AGPS-related condition.
Inborn genetic diseases. Identifiers: MedGen C0950123, MeSH D030342.
Rhizomelic chondrodysplasia punctata type 3 (RCDP3). Also called: Alkylglycerone Phosphate Synthase (AGPS) deficiency; ALKYLDIHYDROXYACETONEPHOSPHATE SYNTHASE DEFICIENCY. Identifiers: Orphanet 177, Orphanet 309803, MedGen C1838612, MONDO:0010823, OMIM 600121. Disease mechanism: loss of function.

Allele frequency attached by ClinVar (database versions not stated): gnomAD exomes 0.00044 and 0.00049; ExAC 0.00056; gnomAD 0.00067 and 0.00069; TOPMed 0.00073.
gnomAD v4.1: 723 of 1,553,406 alleles (0.047%); highest among the groups gnomAD compares: African/African-American, 0.13%; 1 homozygote.

Submissions (6):

PreventionGenetics, part of Exact Sciences
Classification: Likely benign for AGPS-related condition. Last evaluated: 2024-12-04. Review status: criteria provided, single submitter. Criteria: ACMG Guidelines, 2015. Collection method: clinical testing. Allele origin: germline.
Comment: This variant is classified as likely benign based on ACMG/AMP sequence variant interpretation guidelines (Richards et al. 2015 PMID: 25741868, with internal and published modifications).

ARUP Laboratories, Molecular Genetics and Genomics, ARUP Laboratories
Classification: Likely benign for Rhizomelic chondrodysplasia punctata type 3. Last evaluated: 2023-02-10. Review status: criteria provided, single submitter. Criteria: ARUP Molecular Germline Variant Investigation Process 2024. Collection method: clinical testing. Allele origin: germline.

Labcorp Genetics (formerly Invitae), Labcorp
Classification: Uncertain significance. Last evaluated: 2022-10-18. Review status: criteria provided, single submitter. Criteria: Invitae Variant Classification Sherloc (09022015). Collection method: clinical testing. Allele origin: germline.
Comment: This sequence change replaces alanine, which is neutral and non-polar, with threonine, which is neutral and polar, at codon 22 of the AGPS protein (p.Ala22Thr). This variant is present in population databases (rs759572190, gnomAD 0.2%), including at least one homozygous and/or hemizygous individual. This variant has not been reported in the literature in individuals affected with AGPS-related conditions. ClinVar contains an entry for this variant (Variation ID: 893911). Algorithms developed to predict the effect of missense changes on protein structure and function are either unavailable or do not agree on the potential impact of this missense change (SIFT: "Tolerated"; PolyPhen-2: "Not Available"; Align-GVGD: "Class C0"). In summary, the available evidence is currently insufficient to determine the role of this variant in disease. Therefore, it has been classified as a Variant of Uncertain Significance.

Ambry Genetics
Classification: Uncertain significance for Inborn genetic diseases. Last evaluated: 2021-10-18. Review status: criteria provided, single submitter. Criteria: Ambry Variant Classification Scheme 2023. Collection method: clinical testing. Allele origin: germline.

Illumina Laboratory Services, Illumina
Classification: Uncertain significance for Rhizomelic chondrodysplasia punctata type 3. Last evaluated: 2017-04-27. Review status: criteria provided, single submitter. Criteria: ICSL Variant Classification Criteria 13 December 2019. Collection method: clinical testing. Allele origin: germline.

Breakthrough Genomics
Classification: Uncertain significance. Review status: criteria provided, single submitter. Criteria: ACMG Guidelines, 2015. Collection method: not provided. Allele origin: germline. Inheritance: Autosomal recessive inheritance. Affected: yes.